The following is an entry in ClinVar:

NM_003482.4(KMT2D):c.11681T>C (p.Met3894Thr)

Gene: KMT2D (lysine methyltransferase 2D; minus strand). Cytogenetic location: 12q13.12.
Variant type: single nucleotide variant.
Coding change: c.11681T>C on transcript NM_003482.4 (MANE Select); coding-DNA position 11681, T replaced by C.
Protein change: p.Met3894Thr; replaces methionine 3894 with threonine.
Molecular consequence: missense variant.
Genome position (GRCh38, 1-based): chr12:49,033,024, A>G on the plus strand (T>C on the coding strand, the complement: KMT2D is on the minus strand). VCF-style: chr12-49033024-A-G. GRCh37 (hg19) VCF-style: chr12-49426807-A-G.
Other names: short protein forms M3894T.
Identifiers: ClinVar variation 581343 (VCV000581343.8), dbSNP rs1443728446, ClinGen allele CA384716659.
Genomic context (GRCh38, chr12:49,033,024, plus strand): 5'-TGCTGAAGTTGCTGTTGCTGTTGCAGCTGCTGCTGCTGCTGAAGCTGCTGTAAAGAGCCC[A>G]TGGGCTGAGCGCTCAGTTTGGGCTGCCCACTGTGTGACATCAGACTCTGCTGAAGATGGG-3'
Protein context (NP_003473.3, residues 3884-3904): SGQPKLSAQP[Met3894Thr]GSLQQLQQQQ

ClinVar aggregate classification (germline): Uncertain significance (1 of 4 stars; one submission).

Conditions:
Kabuki syndrome. Also called: Kabuki make-up syndrome; NIIKAWA-KUROKI SYNDROME. Identifiers: Orphanet 2322, MedGen C0796004, MONDO:0016512.

gnomAD v4.1: 1 of 1,551,298 alleles (0.000064%); highest among the groups gnomAD compares: Admixed American, 0.002%; no homozygotes.

Submission:

Labcorp Genetics (formerly Invitae), Labcorp
Classification: Uncertain significance for Kabuki syndrome. Last evaluated: 2017-09-07. Review status: criteria provided, single submitter. Criteria: Invitae Variant Classification Sherloc (09022015). Collection method: clinical testing. Allele origin: germline.
Comment: This sequence change replaces methionine with threonine at codon 3894 of the KMT2D protein (p.Met3894Thr). The methionine residue is weakly conserved and there is a moderate physicochemical difference between methionine and threonine. In summary, the available evidence is currently insufficient to determine the role of this variant in disease. Therefore, it has been classified as a Variant of Uncertain Significance. Algorithms developed to predict the effect of missense changes on protein structure and function do not agree on the potential impact of this missense change (SIFT: "Deleterious"; PolyPhen-2: "Benign"; Align-GVGD: "Class C0"). This variant has not been reported in the literature in individuals with KMT2D-related disease. This variant is not present in population databases (ExAC no frequency).